The following is an entry in ClinVar:

ClinVar aggregate classification (germline): Uncertain significance (1 of 4 stars; one submission).

Conditions:
Cardiovascular phenotype. Identifiers: MedGen CN230736.

gnomAD v4.1: 3 of 1,614,054 alleles (0.00019%); highest among the groups gnomAD compares: Admixed American, 0.0033%; no homozygotes.

Submission:

Ambry Genetics
Classification: Uncertain significance for Cardiovascular phenotype. Last evaluated: 2026-09-11. Review status: criteria provided, single submitter. Criteria: Ambry Variant Classification Scheme 2023. Collection method: clinical testing. Allele origin: germline.
Comment: The p.S3415N variant (also known as c.10244G>A), located in coding exon 26 of the APOB gene, results from a G to A substitution at nucleotide position 10244. The serine at codon 3415 is replaced by asparagine, an amino acid with highly similar properties. This amino acid position is conserved. In addition, this alteration is predicted to be tolerated by in silico analysis. Based on the available evidence, the clinical significance of this variant remains unclear.

NM_000384.3(APOB):c.10244G>A (p.Ser3415Asn)

Gene: APOB (apolipoprotein B; minus strand). Cytogenetic location: 2p24.1.
Variant type: single nucleotide variant.
Coding change: c.10244G>A on transcript NM_000384.3 (MANE Select); coding-DNA position 10244, G replaced by A.
Protein change: p.Ser3415Asn; replaces serine 3415 with asparagine.
Molecular consequence: missense variant.
Genome position (GRCh38, 1-based): chr2:21,006,624, C>T on the plus strand (G>A on the coding strand, the complement: APOB is on the minus strand). VCF-style: chr2-21006624-C-T. GRCh37 (hg19) VCF-style: chr2-21229496-C-T.
Other names: short protein forms S3415N.
Identifiers: ClinVar variation 4613720 (VCV004613720.2).